The following is an entry in ClinVar:

NM_004260.4(RECQL4):c.3022dup (p.Cys1008fs)

Gene: RECQL4 (RecQ like helicase 4; minus strand). Cytogenetic location: 8q24.3.
Variant type: Duplication.
Coding change: c.3022dup on transcript NM_004260.4 (MANE Select); coding-DNA position 3022, one base duplicated (T; older notation c.3022dupT).
Protein change: p.Cys1008fs; shifts the reading frame from cysteine 1008.
Molecular consequence: frameshift variant. On other transcripts: non-coding transcript variant (3).
Genome position (GRCh38, 1-based): chr8:144,512,425, A duplicated on the plus strand (T on the coding strand, the reverse complement: RECQL4 is on the minus strand). VCF-style (leftmost placement, unchanged base first): chr8-144512424-C-CA. GRCh37 (hg19) VCF-style: chr8-145737807-C-CA.
Other names: c.2728dup, p.Cys910fs (NM_001413017.1); c.2824dup, p.Cys942fs (NM_001413018.1); c.3097dup, p.Cys1033fs (NM_001413019.1); c.2926dup, p.Cys976fs (NM_001413020.1); c.1951dup, p.Cys651fs (NM_001413021.1, NM_001413022.1, NM_001413024.1 and 4 more transcripts); c.2026dup, p.Cys676fs (NM_001413023.1); c.2893dup, p.Cys965fs (NM_001413025.1); c.1885dup, p.Cys629fs (NM_001413027.1, NM_001413030.1, NM_001413032.1); and 9 more; short protein forms C585fs, C651fs, C676fs, C965fs, C998fs, C1008fs, C1033fs, C629fs.
Identifiers: ClinVar variation 2872785 (VCV002872785.3), dbSNP rs1391954605, ClinGen allele CA586165204.

ClinVar aggregate classification (germline): Pathogenic (1 of 4 stars; one submission).

Conditions:
Baller-Gerold syndrome (BGS). Also called: CRANIOSYNOSTOSIS WITH RADIAL DEFECTS. Identifiers: Orphanet 1225, MedGen C0265308, MONDO:0009039, OMIM 218600.

Allele frequency attached by ClinVar (database versions not stated): gnomAD exomes below 0.00001.

Submission:

Labcorp Genetics (formerly Invitae), Labcorp
Classification: Pathogenic for Baller-Gerold syndrome. Last evaluated: 2023-08-03. Review status: criteria provided, single submitter. Criteria: Invitae Variant Classification Sherloc (09022015). Collection method: clinical testing. Allele origin: germline.
Comment: This sequence change creates a premature translational stop signal (p.Cys1008Leufs*25) in the RECQL4 gene. It is expected to result in an absent or disrupted protein product. Loss-of-function variants in RECQL4 are known to be pathogenic (PMID: 12734318, 12952869). This variant is present in population databases (no rsID available, gnomAD 0.005%). This variant has not been reported in the literature in individuals affected with RECQL4-related conditions. For these reasons, this variant has been classified as Pathogenic.

Literature cited by the submitters: PubMed 12734318; PubMed 12952869.